The following is an entry in ClinVar:

NM_001999.4(FBN2):c.8701G>A (p.Glu2901Lys)

Gene: FBN2 (fibrillin 2; minus strand). Cytogenetic location: 5q23.3.
Variant type: single nucleotide variant.
Coding change: c.8701G>A on transcript NM_001999.4 (MANE Select); coding-DNA position 8701, G replaced by A.
Protein change: p.Glu2901Lys; replaces glutamic acid 2901 with lysine.
Molecular consequence: missense variant.
Genome position (GRCh38, 1-based): chr5:128,259,493, C>T on the plus strand (G>A on the coding strand, the complement: FBN2 is on the minus strand). VCF-style: chr5-128259493-C-T. GRCh37 (hg19) VCF-style: chr5-127595185-C-T.
Other names: short protein forms E2901K.
Identifiers: ClinVar variation 213378 (VCV000213378.13), dbSNP rs781069799, ClinGen allele CA322116.

ClinVar aggregate classification (germline): Conflicting classifications of pathogenicity. Review status: criteria provided, conflicting classifications (1 of 4 stars). 4 submissions from 4 submitters: Uncertain significance (2); Likely benign (2). Last evaluated 2025-05-05.

Conditions:
Familial thoracic aortic aneurysm and aortic dissection (TAAD). Also called: Thoracic aortic aneurysms and dissections. Identifiers: Orphanet 91387, MedGen C4707243, MONDO:0019625.
Congenital contractural arachnodactyly (CCA). Also called: BEALS SYNDROME; Beals-Hecht syndrome; Arthrogryposis, distal, type 9. Identifiers: Orphanet 115, MedGen C0220668, MONDO:0007363, OMIM 121050.

Allele frequency attached by ClinVar (database versions not stated): ExAC 0.00002; gnomAD exomes 0.00002; TOPMed 0.00002; gnomAD 0.00003.
gnomAD v4.1: 17 of 1,613,388 alleles (0.0011%); highest among the groups gnomAD compares: Non-Finnish European, 0.0014%; no homozygotes.

Submissions (4):

Labcorp Genetics (formerly Invitae), Labcorp
Classification: Likely benign for Congenital contractural arachnodactyly. Last evaluated: 2025-05-05. Review status: criteria provided, single submitter. Criteria: Invitae Variant Classification Sherloc (09022015). Collection method: clinical testing. Allele origin: germline.

Ambry Genetics
Classification: Uncertain significance for Familial thoracic aortic aneurysm and aortic dissection. Last evaluated: 2023-10-12. Review status: criteria provided, single submitter. Criteria: Ambry Variant Classification Scheme 2023. Collection method: clinical testing. Allele origin: germline.
Comment: The p.E2901K variant (also known as c.8701G>A), located in coding exon 65 of the FBN2 gene, results from a G to A substitution at nucleotide position 8701. The glutamic acid at codon 2901 is replaced by lysine, an amino acid with similar properties. This amino acid position is not well conserved in available vertebrate species. In addition, this alteration is predicted to be tolerated by in silico analysis. Since supporting evidence is limited at this time, the clinical significance of this alteration remains unclear.

Blueprint Genetics
Classification: Likely benign. Last evaluated: 2020-10-25. Review status: criteria provided, single submitter. Criteria: ACMG Guidelines, 2015. Collection method: clinical testing. Allele origin: germline.

GeneDx
Classification: Uncertain significance. Last evaluated: 2013-07-10. Review status: criteria provided, single submitter. Criteria: GeneDx Variant Classification (06012015). Collection method: clinical testing. Allele origin: germline. Affected: yes.
Comment: p.Glu2901Lys (GAG>AAG): c.8701 G>A in exon 65 of the FBN2 gene (NM_001999.3) The Glu2901Lys variant in the FBN2 gene has not been reported as a disease-causing mutation or as a benign polymorphism to our knowledge. Glu2901Lys results in a non-conservative amino acid substitution of a negatively charged Glutamic acid with a positively charged Lysine at a position that is conserved in mammals. Nevertheless, no mutations in nearby residues have been reported in association with contractural arachnodactyly. Data from control individuals were not available to assess whether Glu2901Lys may be a common benign variant in the general population. With the clinical and molecular information available at this time, we cannot definitively determine if Glu2901Lys is a disease-causing mutation or a rare benign variant. This variant was found in TAAD